The following is an entry in ClinVar:

ClinVar aggregate classification (germline): Pathogenic. Review status: criteria provided, multiple submitters, no conflicts (2 of 4 stars). 2 submissions from 2 submitters: Pathogenic (2). Last evaluated 2011-08-12.

Submissions (2):

ISCA site 17
Classification: Pathogenic. Last evaluated: 2011-08-12. Review status: criteria provided, single submitter. Criteria: Kaminsky et al. (Genet Med. 2011). Collection method: clinical testing. Allele origin: unknown. Affected: yes. Observed: 4 variant alleles. Clinical features observed: Global developmental delay (HP:0001263), Developmental delay AND/OR other significant developmental or morphological phenotypes.
Comment: Copy number variation identified through the course of routine clinical cytogenomic testing in postnatal populations. Clinical assertions have been curated as described in Kaminsky et al. 2011.

ISCA site 4
Classification: Pathogenic. Last evaluated: 2011-08-12. Review status: criteria provided, single submitter. Criteria: Kaminsky et al. (Genet Med. 2011). Collection method: clinical testing. Allele origin: unknown. Affected: yes. Observed: 2 variant alleles.
Comment: the same text as in the submission from ISCA site 17 above.

GRCh38/hg38 22q11.21(chr22:18339130-21086225)x1

Genes: AIFM3 (AIF family member 3; plus strand), ARVCF (ARVCF delta catenin family member; minus strand), C22orf39 (chromosome 22 open reading frame 39; minus strand), CCDC188 (coiled-coil domain containing 188; minus strand), CDC45 (cell division cycle 45; plus strand) and 185 more. Cytogenetic location: 22q11.21.
Variant type: copy number loss.
Change: copy number 1 (one copy instead of two) of chr22:18,339,130-21,086,225 (2.75 Mb, GRCh38 coordinates, 1-based), cytogenetic band 22q11.21.
Identifiers: ClinVar variation 160891 (VCV000160891.1).